The following is an entry in ClinVar:

ClinVar aggregate classification (germline): Uncertain significance (1 of 4 stars; one submission).

Conditions:
Autoimmune thyroid disease, susceptibility to, 3. Identifiers: MedGen C1842444, MONDO:0011982, OMIM 608175.
Iodotyrosyl coupling defect (TDH3). Also called: HYPOTHYROIDISM, CONGENITAL, DUE TO DYSHORMONOGENESIS, 3; THYROID HORMONOGENESIS, GENETIC DEFECT IN, 3. Identifiers: Orphanet 95716, MedGen C0342194, MONDO:0010135, OMIM 274700.

gnomAD v4.1: 48 of 1,609,966 alleles (0.003%); highest among the groups gnomAD compares: East Asian, 0.067%; no homozygotes.

Submission:

Juno Genomics, Hangzhou Juno Genomics, Inc
Classification: Uncertain significance for Autoimmune thyroid disease, susceptibility to, 3; Iodotyrosyl coupling defect. Review status: criteria provided, single submitter. Criteria: ACMG Guidelines, 2015. Collection method: clinical testing. Allele origin: germline.
Comment: Absent from controls (or at extremely low frequency if recessive) in Genome Aggregation Database.;For recessive disorders, detected in trans with a pathogenic variant.;Patient's phenotype or family history is highly specific for a disease with a single genetic etiology.

NM_003235.5(TG):c.2687G>A (p.Arg896Gln)

Gene: TG (thyroglobulin; plus strand). Cytogenetic location: 8q24.22.
Variant type: single nucleotide variant.
Coding change: c.2687G>A on transcript NM_003235.5 (MANE Select); coding-DNA position 2687, G replaced by A.
Protein change: p.Arg896Gln; replaces arginine 896 with glutamine.
Molecular consequence: missense variant.
Genome position (GRCh38, 1-based): chr8:132,888,494, G>A. VCF-style: chr8-132888494-G-A. GRCh37 (hg19) VCF-style: chr8-133900739-G-A.
Other names: short protein forms R896Q.
Identifiers: ClinVar variation 5007274 (VCV005007274.2).